The following is an entry in ClinVar:

NM_015175.3(NBEAL2):c.6161C>T (p.Ser2054Phe)

Gene: NBEAL2 (neurobeachin like 2; plus strand). Cytogenetic location: 3p21.31.
Variant type: single nucleotide variant.
Coding change: c.6161C>T on transcript NM_015175.3 (MANE Select); coding-DNA position 6161, C replaced by T.
Protein change: p.Ser2054Phe; replaces serine 2054 with phenylalanine.
Molecular consequence: missense variant.
Genome position (GRCh38, 1-based): chr3:47,004,356, C>T. VCF-style: chr3-47004356-C-T. GRCh37 (hg19) VCF-style: chr3-47045846-C-T.
Other names: c.6059C>T, p.Ser2020Phe (NM_001365116.2); short protein forms S2054F, S2020F.
Identifiers: ClinVar variation 260587 (VCV000260587.17), dbSNP rs2305637, ClinGen allele CA2361761.
Genomic context (GRCh38, chr3:47,004,356, plus strand): 5'-AGGTGTACTCGTGGCTCCTGCGCCTACGGCCCCCCTCTCAAGGCTACCTAAGCAGCCGCT[C>T]CCCCCAGGAGATGCTGCGTGCCTCAGGCCTTACCCAGGTGAGAGCCCTGGGTGTGAGGGA-3'
Protein context (NP_055990.1, residues 2044-2064): PPSQGYLSSR[Ser2054Phe]PQEMLRASGL

ClinVar aggregate classification (germline): Benign/Likely benign. Review status: criteria provided, multiple submitters, no conflicts (2 of 4 stars). 9 submissions from 9 submitters: Benign (6); Likely benign (1). 2 of the submissions do not count toward it. Last evaluated 2026-01-28.

Conditions:
Gray platelet syndrome (GPS). Also called: BLEEDING DISORDER, PLATELET-TYPE, 4. Identifiers: Orphanet 721, MedGen C0272302, MONDO:0007686, OMIM 139090.

Allele frequency attached by ClinVar (database versions not stated): 1000 Genomes Project 30x 0.12492; 1000 Genomes Project 0.12660; ESP Exome Variant Server 0.12848; TOPMed 0.12935; gnomAD 0.13655 and 0.13687; gnomAD exomes 0.15454; ExAC 0.15731.

Submissions (9):

Labcorp Genetics (formerly Invitae), Labcorp
Classification: Benign. Last evaluated: 2026-01-28. Review status: criteria provided, single submitter. Criteria: Invitae Variant Classification Sherloc (09022015). Collection method: clinical testing. Allele origin: germline.

Blueprint Genetics
Classification: Likely benign. Last evaluated: 2024-11-26. Review status: criteria provided, single submitter. Criteria: ACMG Guidelines, 2015. Collection method: clinical testing. Allele origin: germline.

Mayo Clinic Laboratories, Mayo Clinic
Classification: Benign. Last evaluated: 2022-09-29. Review status: criteria provided, single submitter. Criteria: ACMG Guidelines, 2015. Collection method: clinical testing. Allele origin: germline. Observed: 162 variant alleles.

GeneDx
Classification: Benign. Last evaluated: 2021-06-09. Review status: criteria provided, single submitter. Criteria: GeneDx Variant Classification Process June 2021. Collection method: clinical testing. Allele origin: germline. Affected: yes.

Illumina Laboratory Services, Illumina
Classification: Benign for Gray platelet syndrome. Last evaluated: 2018-01-13. Review status: criteria provided, single submitter. Criteria: ICSL Variant Classification Criteria 13 December 2019. Collection method: clinical testing. Allele origin: germline.
Comment: This variant was observed in the ICSL laboratory as part of a predisposition screen in an ostensibly healthy population. It had not been previously curated by ICSL or reported in the Human Gene Mutation Database (HGMD: prior to June 1st, 2018), and was therefore a candidate for classification through an automated scoring system. Utilizing variant allele frequency, disease prevalence and penetrance estimates, and inheritance mode, an automated score was calculated to assess if this variant is too frequent to cause the disease. Based on the score and internal cut-off values, a variant classified as benign is not then subjected to further curation. The score for this variant resulted in a classification of benign for this disease.

Breakthrough Genomics
Classification: Benign. Review status: criteria provided, single submitter. Criteria: ACMG Guidelines, 2015. Collection method: not provided. Allele origin: germline. Inheritance: Autosomal recessive inheritance. Affected: yes.

PreventionGenetics, part of Exact Sciences
Classification: Benign. Review status: criteria provided, single submitter. Criteria: ACMG Guidelines, 2015. Collection method: clinical testing. Allele origin: germline.

Diagnostic Laboratory, Department of Genetics, University Medical Center Groningen
Classification: Benign. Review status: no assertion criteria provided. Collection method: clinical testing. Allele origin: germline. Affected: yes. Study: VKGL Data-share Consensus. Not counted in ClinVar's aggregate classification.

Joint Genome Diagnostic Labs from Nijmegen and Maastricht, Radboudumc and MUMC+
Classification: Benign. Review status: no assertion criteria provided. Collection method: clinical testing. Allele origin: germline. Affected: yes. Study: VKGL Data-share Consensus. Not counted in ClinVar's aggregate classification.